The following is an entry in ClinVar:

ClinVar aggregate classification (germline): Likely benign. Review status: criteria provided, multiple submitters, no conflicts (2 of 4 stars). 2 submissions from 2 submitters: Likely benign (2). Last evaluated 2026-04-01.

gnomAD v4.1: 17 of 1,551,642 alleles (0.0011%); highest among the groups gnomAD compares: Admixed American, 0.029%; no homozygotes.

Submissions (2):

CeGaT Center for Human Genetics Tuebingen
Classification: Likely benign. Last evaluated: 2026-04-01. Review status: criteria provided, single submitter. Criteria: CeGaT Center For Human Genetics Tuebingen Variant Classification Criteria Version 2. Collection method: clinical testing. Allele origin: germline. Affected: yes. Observed: 1 variant allele.
Comment: TET2: BP4, BP7

Labcorp Genetics (formerly Invitae), Labcorp
Classification: Likely benign. Last evaluated: 2025-11-16. Review status: criteria provided, single submitter. Criteria: Invitae Variant Classification Sherloc (09022015). Collection method: clinical testing. Allele origin: germline.

NM_001127208.3(TET2):c.5226C>T (p.Pro1742=)

Genes: TET2 (tet methylcytosine dioxygenase 2; plus strand), TET2-AS1 (TET2 antisense RNA 1; minus strand). Cytogenetic location: 4q24.
Variant type: single nucleotide variant.
Coding change: c.5226C>T on transcript NM_001127208.3 (MANE Select); coding-DNA position 5226, C replaced by T.
Protein change: p.Pro1742=; no amino-acid change (proline 1742 retained).
Molecular consequence: synonymous variant.
Genome position (GRCh38, 1-based): chr4:105,275,736, C>T. VCF-style: chr4-105275736-C-T. GRCh37 (hg19) VCF-style: chr4-106196893-C-T.
Identifiers: ClinVar variation 3653956 (VCV003653956.4).